The following is an entry in ClinVar:

ClinVar aggregate classification (germline): Conflicting classifications of pathogenicity. Review status: criteria provided, conflicting classifications (1 of 4 stars). 6 submissions from 6 submitters: Uncertain significance (5); Likely benign (1). Last evaluated 2025-04-24.

Conditions:
Malignant hyperthermia, susceptibility to, 5 (MHS5). Also called: CACNA1S-Related Malignant Hyperthermia Susceptibility. Identifiers: Orphanet 423, MedGen C1866077, MONDO:0011163, OMIM 601887.
Hypokalemic periodic paralysis, type 1. Also called: HypoPP; Hypokalemic Periodic Paralysis Type 1 (AD). Identifiers: Orphanet 681, MedGen C3714580, MONDO:0042979, OMIM 170400.
Inborn genetic diseases. Identifiers: MedGen C0950123, MeSH D030342.

Allele frequency attached by ClinVar (database versions not stated): ExAC 0.00001; gnomAD exomes 0.00001 and 0.00002; gnomAD 0.00003 and 0.00004; TOPMed 0.00003.
gnomAD v4.1: 23 of 1,614,038 alleles (0.0014%); highest among the groups gnomAD compares: Non-Finnish European, 0.0019%; no homozygotes.

Submissions (6):

Ambry Genetics
Classification: Uncertain significance for Inborn genetic diseases. Last evaluated: 2025-04-24. Review status: criteria provided, single submitter. Criteria: Ambry Variant Classification Scheme 2023. Collection method: clinical testing. Allele origin: germline.

Labcorp Genetics (formerly Invitae), Labcorp
Classification: Likely benign for Hypokalemic periodic paralysis, type 1; Malignant hyperthermia, susceptibility to, 5. Last evaluated: 2025-04-10. Review status: criteria provided, single submitter. Criteria: Invitae Variant Classification Sherloc (09022015). Collection method: clinical testing. Allele origin: germline.

All of Us Research Program, National Institutes of Health
Classification: Uncertain significance for Malignant hyperthermia, susceptibility to, 5. Last evaluated: 2024-06-11. Review status: criteria provided, single submitter. Criteria: ACMG Guidelines, 2015. Collection method: clinical testing. Allele origin: germline. Inheritance: Autosomal dominant inheritance. Observed: 11 variant alleles, 11 heterozygotes.
Comment: This missense variant replaces leucine with phenylalanine at codon 164 of the CACNA1S protein. Computational prediction suggests that this variant may have deleterious impact on protein structure and function (internally defined REVEL score threshold >= 0.7, PMID: 27666373). To our knowledge, functional studies have not been reported for this variant. This variant has not been reported in individuals affected with CACNA1S-related disorders in the literature. This variant has been identified in 5/282842 chromosomes in the general population by the Genome Aggregation Database (gnomAD). The available evidence is insufficient to determine the role of this variant in disease conclusively. Therefore, this variant is classified as a Variant of Uncertain Significance.

This study involves interpretation of variants in research participants for the purpose of population health screening. Participant phenotype was not available at the time of variant classification. Additional details can be found in publication PMID: 35346344, PMCID: PMC8962531

Color Diagnostics, LLC DBA Color Health
Classification: Uncertain significance for Malignant hyperthermia, susceptibility to, 5. Last evaluated: 2024-03-06. Review status: criteria provided, single submitter. Criteria: ACMG Guidelines, 2015. Collection method: clinical testing. Allele origin: germline.
Comment: This missense variant replaces leucine with phenylalanine at codon 164 of the CACNA1S protein. Computational prediction suggests that this variant may have deleterious impact on protein structure and function (internally defined REVEL score threshold >= 0.7, PMID: 27666373). To our knowledge, functional studies have not been reported for this variant. This variant has not been reported in individuals affected with CACNA1S-related disorders in the literature. This variant has been identified in 5/282842 chromosomes in the general population by the Genome Aggregation Database (gnomAD). The available evidence is insufficient to determine the role of this variant in disease conclusively. Therefore, this variant is classified as a Variant of Uncertain Significance.

Illumina Laboratory Services, Illumina
Classification: Uncertain significance for Hypokalemic periodic paralysis, type 1. Last evaluated: 2018-01-12. Review status: criteria provided, single submitter. Criteria: ICSL Variant Classification Criteria 13 December 2019. Collection method: clinical testing. Allele origin: germline.

Athena Diagnostics
Classification: Uncertain significance. Last evaluated: 2016-08-23. Review status: criteria provided, single submitter. Criteria: Athena Diagnostics Criteria. Collection method: clinical testing. Allele origin: germline.

NM_000069.3(CACNA1S):c.490C>T (p.Leu164Phe)

Gene: CACNA1S (calcium voltage-gated channel subunit alpha1 S; minus strand). Cytogenetic location: 1q32.1.
Variant type: single nucleotide variant.
Coding change: c.490C>T on transcript NM_000069.3 (MANE Select); coding-DNA position 490, C replaced by T.
Protein change: p.Leu164Phe; replaces leucine 164 with phenylalanine.
Molecular consequence: missense variant.
Genome position (GRCh38, 1-based): chr1:201,092,023, G>A on the plus strand (C>T on the coding strand, the complement: CACNA1S is on the minus strand). VCF-style: chr1-201092023-G-A. GRCh37 (hg19) VCF-style: chr1-201061151-G-A.
Other names: short protein forms L164F.
Identifiers: ClinVar variation 446963 (VCV000446963.18), dbSNP rs747238231, ClinGen allele CA083622.